The following is an entry in ClinVar:

NM_001754.5(RUNX1):c.503G>A (p.Gly168Glu)

Genes: RUNX1 (RUNX family transcription factor 1; minus strand), RUNX1-AS1 (RUNX1 antisense RNA 1; plus strand). Cytogenetic location: 21q22.12.
Variant type: single nucleotide variant.
Coding change: c.503G>A on transcript NM_001754.5 (MANE Select); coding-DNA position 503, G replaced by A.
Protein change: p.Gly168Glu; replaces glycine 168 with glutamic acid.
Molecular consequence: missense variant.
Genome position (GRCh38, 1-based): chr21:34,880,562, C>T on the plus strand (G>A on the coding strand, the complement: RUNX1 is on the minus strand). VCF-style: chr21-34880562-C-T. GRCh37 (hg19) VCF-style: chr21-36252859-C-T.
Other names: NM_001754.5:c.503G>A; c.422G>A, p.Gly141Glu (NM_001001890.3, NM_001122607.2); short protein forms G141E, G168E.
Identifiers: ClinVar variation 3367214 (VCV003367214.4).

ClinVar aggregate classification (germline): Likely pathogenic (3 of 4 stars; one submission).

Conditions:
Hereditary thrombocytopenia and hematologic cancer predisposition syndrome. Identifiers: Orphanet 71290, MedGen CN281654, MONDO:0011071.

Submission:

ClinGen Myeloid Malignancy Variant Curation Expert Panel
Classification: Likely pathogenic for Hereditary thrombocytopenia and hematologic cancer predisposition syndrome. Last evaluated: 2026-10-05. Review status: reviewed by expert panel. Criteria: ClinGen MyeloMalig ACMG Specifications V3.1. Collection method: curation. Allele origin: germline. Inheritance: Autosomal dominant inheritance.
Comment: NM_001754.5(RUNX1):c.503G>A (p.Gly168Glu) is a missense variant which affects one of the amino acid residues (Gly168) within the RHD (amino acids 89-204; PM1_Supporting). This variant has a REVEL score ≥ 0.88 (0.98) (PP3) and is completely absent from all population databases with at least 20x coverage for RUNX1 (PM2_Supporting). This variant has been reported in two probands meeting at least one of the RUNX1-phenotypic criteria (PS4_Moderate; PMID: 39375928) and was found to co-segregate with disease in three observed meioses in one family (PP1; PMID:39375928). In summary, this variant meets criteria to be classified as likely pathogenic. ACMG/AMP criteria applied, as specified by the Myeloid Malignancy Variant Curation Expert Panel for RUNX1: PM1_Supporting, PP3, PM2_Supporting, PS4_Moderate, PP1.